The following is an entry in ClinVar:

ClinVar aggregate classification (germline): Conflicting classifications of pathogenicity. Review status: criteria provided, conflicting classifications (1 of 4 stars). 4 submissions from 4 submitters: Uncertain significance (2); Benign (1); Likely benign (1). Last evaluated 2025-12-03.

Conditions:
Erythrocytosis, familial, 3 (ECYT3). Identifiers: Orphanet 247511, MedGen C1853286, MONDO:0012353, OMIM 609820.

Allele frequency attached by ClinVar (database versions not stated): TOPMed 0.00002; gnomAD 0.00003 and 0.00005; 1000 Genomes Project 30x 0.00047; 1000 Genomes Project 0.00060.
gnomAD v4.1: 53 of 1,614,156 alleles (0.0033%); highest among the groups gnomAD compares: East Asian, 0.058%; 1 homozygote.

Submissions (4):

Labcorp Genetics (formerly Invitae), Labcorp
Classification: Likely benign for Erythrocytosis, familial, 3. Last evaluated: 2025-12-03. Review status: criteria provided, single submitter. Criteria: Invitae Variant Classification Sherloc (09022015). Collection method: clinical testing. Allele origin: germline.

Ambry Genetics
Classification: Uncertain significance. Last evaluated: 2025-04-05. Review status: criteria provided, single submitter. Criteria: Ambry Variant Classification Scheme 2023. Collection method: clinical testing. Allele origin: germline.
Comment: The p.D278N variant (also known as c.832G>A), located in coding exon 1 of the EGLN1 gene, results from a G to A substitution at nucleotide position 832. The aspartic acid at codon 278 is replaced by asparagine, an amino acid with highly similar properties. This amino acid position is highly conserved in available vertebrate species. In addition, this alteration is predicted to be tolerated by in silico analysis. The evidence for this gene-disease relationship is limited; therefore, the clinical significance of this alteration is unclear.

Revvity Omics, Revvity
Classification: Uncertain significance. Last evaluated: 2021-03-21. Review status: criteria provided, single submitter. Criteria: ACMG Guidelines, 2015. Collection method: clinical testing. Allele origin: germline.

Illumina Laboratory Services, Illumina
Classification: Benign for Erythrocytosis, familial, 3. Last evaluated: 2018-01-12. Review status: criteria provided, single submitter. Criteria: ICSL Variant Classification Criteria 13 December 2019. Collection method: clinical testing. Allele origin: germline.
Comment: This variant was observed in the ICSL laboratory as part of a predisposition screen in an ostensibly healthy population. It had not been previously curated by ICSL or reported in the Human Gene Mutation Database (HGMD: prior to June 1st, 2018), and was therefore a candidate for classification through an automated scoring system. Utilizing variant allele frequency, disease prevalence and penetrance estimates, and inheritance mode, an automated score was calculated to assess if this variant is too frequent to cause the disease. Based on the score and internal cut-off values, a variant classified as benign is not then subjected to further curation. The score for this variant resulted in a classification of benign for this disease.

NM_022051.3(EGLN1):c.832G>A (p.Asp278Asn)

Genes: EGLN1 (egl-9 family hypoxia inducible factor 1; minus strand), LOC129932769 (ATAC-STARR-seq lymphoblastoid active region 2730; plus strand). Cytogenetic location: 1q42.2.
Variant type: single nucleotide variant.
Coding change: c.832G>A on transcript NM_022051.3 (MANE Select); coding-DNA position 832, G replaced by A.
Protein change: p.Asp278Asn; replaces aspartic acid 278 with asparagine.
Molecular consequence: missense variant.
Genome position (GRCh38, 1-based): chr1:231,421,057, C>T on the plus strand (G>A on the coding strand, the complement: EGLN1 is on the minus strand). VCF-style: chr1-231421057-C-T. GRCh37 (hg19) VCF-style: chr1-231556803-C-T.
Other names: c.832G>A, p.Asp278Asn (NM_001377260.1, NM_001377261.1); short protein forms D278N.
Identifiers: ClinVar variation 296189 (VCV000296189.18), dbSNP rs371536347, ClinGen allele CA1453098.
Genomic context (GRCh38, chr1:231,421,057, plus strand): 5'-CTTTCGTCCGGCCATTGATTTTGTAGCTGCCCAGCTTCCCGTTACAGTGGCGTATCAGGT[C>T]GTCCATGCTGCTCATGAGCAGCCCAATGGTTTCGCAGCCGGGCTCCTTGCCCTCGATCCA-3'
Protein context (NP_071334.1, residues 268-288): TIGLLMSSMD[Asp278Asn]LIRHCNGKLG